The following is an entry in ClinVar:

NM_003000.3(SDHB):c.606C>G (p.Asn202Lys)

Gene: SDHB (succinate dehydrogenase complex iron sulfur subunit B; minus strand). Cytogenetic location: 1p36.13.
Variant type: single nucleotide variant.
Coding change: c.606C>G on transcript NM_003000.3 (MANE Select); coding-DNA position 606, C replaced by G.
Protein change: p.Asn202Lys; replaces asparagine 202 with lysine.
Molecular consequence: missense variant.
Genome position (GRCh38, 1-based): chr1:17,024,009, G>C on the plus strand (C>G on the coding strand, the complement: SDHB is on the minus strand). VCF-style: chr1-17024009-G-C. GRCh37 (hg19) VCF-style: chr1-17350504-G-C.
Other names: c.606C>G (NM_003000.2); short protein forms N202K.
Identifiers: ClinVar variation 1463417 (VCV001463417.9), dbSNP rs199653121, ClinGen allele CA338271024.

ClinVar aggregate classification (germline): Uncertain significance. Review status: criteria provided, multiple submitters, no conflicts (2 of 4 stars). 2 submissions from 2 submitters: Uncertain significance (2). Last evaluated 2025-04-28.

Conditions:
Hereditary cancer-predisposing syndrome. Also called: Hereditary neoplastic syndrome; Tumor predisposition; Hereditary Cancer Syndrome; Neoplastic Syndromes, Hereditary. Identifiers: Orphanet 140162, MedGen C0027672, MeSH D009386, MONDO:0015356.
Gastrointestinal stromal tumor. Also called: Gastrointestinal stroma tumor; Gastrointestinal stromal tumor, somatic. Identifiers: Orphanet 44890, MedGen C0238198, MeSH D046152, MONDO:0011719, OMIM 606764, HP:0100723.
Pheochromocytoma/paraganglioma syndrome 4. Also called: CAROTID BODY TUMORS AND MULTIPLE EXTRAADRENAL PHEOCHROMOCYTOMAS; SDHB-Related Hereditary Paraganglioma-Pheochromocytoma Syndrome; PARAGANGLIOMA, FAMILIAL MALIGNANT; PARAGANGLIOMAS, HEREDITARY EXTRAADRENAL; PHEOCHROMOCYTOMA, FAMILIAL EXTRAADRENAL; Paragangliomas 4. Identifiers: Orphanet 29072, MedGen C1861848, MONDO:0007273, OMIM 115310.
Pheochromocytoma. Also called: MAX-Related Hereditary Paraganglioma-Pheochromocytoma Syndrome. Identifiers: Orphanet 29072, MedGen C0031511, MONDO:0008233, OMIM 171300, HP:0002666.

Submissions (2):

Ambry Genetics
Classification: Uncertain significance for Hereditary cancer-predisposing syndrome. Last evaluated: 2025-04-28. Review status: criteria provided, single submitter. Criteria: Ambry Variant Classification Scheme 2023. Collection method: clinical testing. Allele origin: germline.
Comment: The p.N202K variant (also known as c.606C>G), located in coding exon 6 of the SDHB gene, results from a C to G substitution at nucleotide position 606. The asparagine at codon 202 is replaced by lysine, an amino acid with similar properties. This amino acid position is conserved. In addition, the in silico prediction for this alteration is inconclusive. Based on the available evidence, the clinical significance of this variant remains unclear.

Labcorp Genetics (formerly Invitae), Labcorp
Classification: Uncertain significance for Gastrointestinal stromal tumor; Pheochromocytoma/paraganglioma syndrome 4; Pheochromocytoma. Last evaluated: 2024-10-02. Review status: criteria provided, single submitter. Criteria: Invitae Variant Classification Sherloc (09022015). Collection method: clinical testing. Allele origin: germline.
Comment: This sequence change replaces asparagine, which is neutral and polar, with lysine, which is basic and polar, at codon 202 of the SDHB protein (p.Asn202Lys). This variant is not present in population databases (gnomAD no frequency). This variant has not been reported in the literature in individuals affected with SDHB-related conditions. ClinVar contains an entry for this variant (Variation ID: 1463417). Invitae Evidence Modeling of protein sequence and biophysical properties (such as structural, functional, and spatial information, amino acid conservation, physicochemical variation, residue mobility, and thermodynamic stability) indicates that this missense variant is expected to disrupt SDHB protein function with a positive predictive value of 80%. In summary, the available evidence is currently insufficient to determine the role of this variant in disease. Therefore, it has been classified as a Variant of Uncertain Significance.